The following is an entry in ClinVar:

NM_001267550.2(TTN):c.103945_103946insTAGAA (p.Arg34649fs)

Genes: TTN-AS1 (TTN antisense RNA 1; plus strand), TTN (titin; minus strand). Cytogenetic location: 2q31.2.
Variant type: Insertion.
Coding change: c.103945_103946insTAGAA on transcript NM_001267550.2 (MANE Select); coding-DNA positions 103945 to 103946, TAGAA inserted.
Protein change: p.Arg34649fs; shifts the reading frame from arginine 34649.
Molecular consequence: frameshift variant.
Genome position: GRCh38 VCF-style: chr2-178532669-C-CTTCTA. GRCh37 (hg19) VCF-style: chr2-179397396-C-CTTCTA.
Other names: c.99022_99023insTAGAA, p.Arg33008fs (NM_001256850.1); c.76750_76751insTAGAA, p.Arg25584fs (NM_003319.4); c.96241_96242insTAGAA, p.Arg32081fs (NM_133378.4); c.77125_77126insTAGAA, p.Arg25709fs (NM_133432.3); c.77326_77327insTAGAA, p.Arg25776fs (NM_133437.4); short protein forms R25584fs, R25709fs, R25776fs, R32081fs, R33008fs, R34649fs.
Identifiers: ClinVar variation 3756113 (VCV003756113.2).

ClinVar aggregate classification (germline): Likely pathogenic (1 of 4 stars; one submission).

Conditions:
Dilated cardiomyopathy 1G (CMD1G). Identifiers: Orphanet 154, MedGen C1858763, MONDO:0011400, OMIM 604145.
Autosomal recessive limb-girdle muscular dystrophy type 2J (LGMDR10). Also called: Limb-girdle muscular dystrophy, type 2J; MUSCULAR DYSTROPHY, LIMB-GIRDLE, AUTOSOMAL RECESSIVE 10. Identifiers: Orphanet 140922, MedGen C1837342, MONDO:0012127, OMIM 608807.

Submission:

Labcorp Genetics (formerly Invitae), Labcorp
Classification: Likely pathogenic for Dilated cardiomyopathy 1G; Autosomal recessive limb-girdle muscular dystrophy type 2J. Last evaluated: 2024-04-30. Review status: criteria provided, single submitter. Criteria: Invitae Variant Classification Sherloc (09022015). Collection method: clinical testing. Allele origin: germline.
Comment: This sequence change creates a premature translational stop signal (p.Arg34649Leufs*25) in the TTN gene. While this is not anticipated to result in nonsense mediated decay, it is expected to create a truncated TTN protein. This variant is not present in population databases (gnomAD no frequency). This variant has not been reported in the literature in individuals affected with TTN-related conditions. This variant is located in the M band of TTN (PMID: 25589632). Truncating variants in this region have been previously reported in individuals affected with autosomal recessive myopathy and muscular dystrophy (PMID: 18948003, 23975875, 24395473). Truncating variants in this region have also been identified in individuals affected with autosomal dominant dilated cardiomyopathy and/or cardio-related conditions (PMID: 27869827, 32964742, Invitae internal data). In summary, the currently available evidence indicates that the variant is pathogenic, but additional data are needed to prove that conclusively. Therefore, this variant has been classified as Likely Pathogenic.

Literature cited by the submitters: PubMed 25589632; PubMed 18948003; PubMed 23975875; PubMed 24395473; PubMed 27869827; PubMed 32964742.